The following is an entry in ClinVar:

NM_000038.6(APC):c.136-2358T>G

Gene: APC (APC regulator of WNT signaling pathway; plus strand). Cytogenetic location: 5q22.2.
Variant type: single nucleotide variant.
Coding change: c.136-2358T>G on transcript NM_000038.6 (MANE Select); 2358 bases into the intron before coding-DNA position 136, T replaced by G.
Molecular consequence: intron variant.
Genome position (GRCh38, 1-based): chr5:112,763,968, T>G. VCF-style: chr5-112763968-T-G. GRCh37 (hg19) VCF-style: chr5-112099665-T-G.
Other names: c.136-2358T>G (NM_001354895.2, NM_001127510.3, NM_001354896.2 and 2 more transcripts); c.166-2358T>G (NM_001354897.2, NM_001354902.2, NM_001127511.3); c.61-2358T>G (NM_001354898.2, NM_001354904.2); c.-900-2358T>G (NM_001354906.2); c.-42-2358T>G (NM_001354900.2, NM_001354901.2, NM_001354905.2).
Identifiers: ClinVar variation 82855 (VCV000082855.2), dbSNP rs79485695, ClinGen allele CA004611.
Genomic context (GRCh38, chr5:112,763,968, plus strand): 5'-ACACTACTGTAGGCTTTGGAGAAGAATCTTACAAAGAGAGACCTGATCGGCCGGGCGCGG[T>G]GGCTCACGCCTGTAATCCCAGCACTTTGGGAGGCTGACGCGGGCGGATGGTGATGTCAGG-3'

ClinVar aggregate classification (germline): other (0 of 4 stars; one submission).

Conditions:
Familial colorectal cancer. Identifiers: MedGen CN280943, MONDO:0023113. Disease mechanism: loss of function.

Submission:

Systems Biology Platform Zhejiang California International NanoSystems Institute
Classification: other for Familial colorectal cancer. Review status: no assertion criteria provided. Collection method: not provided. Allele origin: unknown.
ClinVar note: Converted during submission from cancer to other.